The following is an entry in ClinVar:

ClinVar aggregate classification (germline): Uncertain significance. Review status: criteria provided, multiple submitters, no conflicts (2 of 4 stars). 3 submissions from 3 submitters: Uncertain significance (3). Last evaluated 2025-11-20.

Conditions:
Inborn genetic diseases. Identifiers: MedGen C0950123, MeSH D030342.
Nephrotic syndrome, type 3 (NPHS3). Also called: NEPHROTIC SYNDROME, EARLY-ONSET, TYPE 3. Identifiers: Orphanet 656, MedGen C1853124, MONDO:0012546, OMIM 610725.

Allele frequency attached by ClinVar (database versions not stated): gnomAD exomes below 0.00001; TOPMed 0.00001; gnomAD 0.00003.
gnomAD v4.1: 9 of 1,613,978 alleles (0.00056%); highest among the groups gnomAD compares: Admixed American, 0.01%; no homozygotes.

Submissions (3):

Ambry Genetics
Classification: Uncertain significance for Inborn genetic diseases. Last evaluated: 2025-11-20. Review status: criteria provided, single submitter. Criteria: Ambry Variant Classification Scheme 2023. Collection method: clinical testing. Allele origin: germline.

Fulgent Genetics
Classification: Uncertain significance for Nephrotic syndrome, type 3. Last evaluated: 2024-01-17. Review status: criteria provided, single submitter. Criteria: ACMG Guidelines, 2015. Collection method: clinical testing. Allele origin: germline.

Labcorp Genetics (formerly Invitae), Labcorp
Classification: Uncertain significance. Last evaluated: 2021-12-15. Review status: criteria provided, single submitter. Criteria: Invitae Variant Classification Sherloc (09022015). Collection method: clinical testing. Allele origin: germline.
Comment: Algorithms developed to predict the effect of missense changes on protein structure and function (SIFT, PolyPhen-2, Align-GVGD) all suggest that this variant is likely to be tolerated. Algorithms developed to predict the effect of sequence changes on RNA splicing suggest that this variant may create or strengthen a splice site. In summary, the available evidence is currently insufficient to determine the role of this variant in disease. Therefore, it has been classified as a Variant of Uncertain Significance. This variant has not been reported in the literature in individuals affected with PLCE1-related conditions. This sequence change replaces asparagine, which is neutral and polar, with aspartic acid, which is acidic and polar, at codon 731 of the PLCE1 protein (p.Asn731Asp). This variant is present in population databases (no rsID available, gnomAD 0.003%).

NM_016341.4(PLCE1):c.2191A>G (p.Asn731Asp)

Gene: PLCE1 (phospholipase C epsilon 1; plus strand). Cytogenetic location: 10q23.33.
Variant type: single nucleotide variant.
Coding change: c.2191A>G on transcript NM_016341.4 (MANE Select); coding-DNA position 2191, A replaced by G.
Protein change: p.Asn731Asp; replaces asparagine 731 with aspartic acid.
Molecular consequence: missense variant.
Genome position (GRCh38, 1-based): chr10:94,234,289, A>G. VCF-style: chr10-94234289-A-G. GRCh37 (hg19) VCF-style: chr10-95994046-A-G.
Other names: c.1267A>G, p.Asn423Asp (NM_001165979.2); c.2191A>G, p.Asn731Asp (NM_001288989.2); c.2191A>G (NM_016341.3); short protein forms N731D, N423D.
Identifiers: ClinVar variation 2057223 (VCV002057223.6), dbSNP rs969149092, ClinGen allele CA211598997.